The following is an entry in ClinVar:

ClinVar aggregate classification (germline): Uncertain significance (1 of 4 stars; one submission).

Conditions:
Inborn genetic diseases. Identifiers: MedGen C0950123, MeSH D030342.

Submission:

Ambry Genetics
Classification: Uncertain significance for Inborn genetic diseases. Last evaluated: 2025-07-15. Review status: criteria provided, single submitter. Criteria: Ambry Variant Classification Scheme 2023. Collection method: clinical testing. Allele origin: germline.
Comment: The p.N262S variant (also known as c.785A>G), located in coding exon 1 of the SAMD9 gene, results from an A to G substitution at nucleotide position 785. The asparagine at codon 262 is replaced by serine, an amino acid with highly similar properties. This amino acid position is conserved. In addition, this alteration is predicted to be tolerated by in silico analysis. Based on the available evidence, the clinical significance of this variant remains unclear.

NM_017654.4(SAMD9):c.785A>G (p.Asn262Ser)

Gene: SAMD9 (sterile alpha motif domain containing 9; minus strand). Cytogenetic location: 7q21.2.
Variant type: single nucleotide variant.
Coding change: c.785A>G on transcript NM_017654.4 (MANE Select); coding-DNA position 785, A replaced by G.
Protein change: p.Asn262Ser; replaces asparagine 262 with serine.
Molecular consequence: missense variant.
Genome position (GRCh38, 1-based): chr7:93,105,313, T>C on the plus strand (A>G on the coding strand, the complement: SAMD9 is on the minus strand). VCF-style: chr7-93105313-T-C. GRCh37 (hg19) VCF-style: chr7-92734626-T-C.
Other names: c.785A>G, p.Asn262Ser (NM_001193307.2); short protein forms N262S.
Identifiers: ClinVar variation 4159084 (VCV004159084.1).